The following is an entry in ClinVar:

NM_014861.4(ATP2C2):c.2250C>T (p.Ser750=)

Genes: ATP2C2 (ATPase secretory pathway Ca2+ transporting 2; plus strand), ATP2C2-AS1 (ATP2C2 antisense RNA 1; minus strand). Cytogenetic location: 16q24.1.
Variant type: single nucleotide variant.
Coding change: c.2250C>T on transcript NM_014861.4 (MANE Select); coding-DNA position 2250, C replaced by T.
Protein change: p.Ser750=; no amino-acid change (serine 750 retained).
Molecular consequence: synonymous variant. On other transcripts: non-coding transcript variant (1).
Genome position (GRCh38, 1-based): chr16:84,459,303, C>T. VCF-style: chr16-84459303-C-T. GRCh37 (hg19) VCF-style: chr16-84492909-C-T.
Other names: c.2250C>T, p.Ser750= (NM_001286527.3); c.1797C>T, p.Ser599= (NM_001291454.2).
Identifiers: ClinVar variation 3034704 (VCV003034704.2), dbSNP rs1247909506, ClinGen allele CA497008672.

ClinVar aggregate classification (germline): Likely benign (0 of 4 stars; one submission).

Conditions:
ATP2C2-related disorder. Also called: ATP2C2-related condition.

Allele frequency attached by ClinVar (database versions not stated): gnomAD exomes 0.00001; TOPMed 0.00001.
gnomAD v4.1: 14 of 1,614,220 alleles (0.00087%); highest among the groups gnomAD compares: African/African-American, 0.0053%; no homozygotes.

Submission:

PreventionGenetics, part of Exact Sciences
Classification: Likely benign for ATP2C2-related condition. Last evaluated: 2019-08-07. Review status: no assertion criteria provided. Collection method: clinical testing. Allele origin: germline.
Comment: This variant is classified as likely benign based on ACMG/AMP sequence variant interpretation guidelines (Richards et al. 2015 PMID: 25741868, with internal and published modifications).